The following is an entry in ClinVar:

NM_001111.5(ADAR):c.1457G>T (p.Gly486Val)

Gene: ADAR (adenosine deaminase RNA specific; minus strand). Cytogenetic location: 1q21.3.
Variant type: single nucleotide variant.
Coding change: c.1457G>T on transcript NM_001111.5 (MANE Select); coding-DNA position 1457, G replaced by T.
Protein change: p.Gly486Val; replaces glycine 486 with valine.
Molecular consequence: missense variant.
Genome position (GRCh38, 1-based): chr1:154,601,185, C>A on the plus strand (G>T on the coding strand, the complement: ADAR is on the minus strand). VCF-style: chr1-154601185-C-A. GRCh37 (hg19) VCF-style: chr1-154573661-C-A.
Other names: c.572G>T, p.Gly191Val (NM_001025107.3, NM_001193495.2, NM_001365046.1 and 3 more transcripts); c.1484G>T, p.Gly495Val (NM_001365045.1); c.1457G>T, p.Gly486Val (NM_015840.4, NM_015841.4); short protein forms G191V, G486V, G495V.
Identifiers: ClinVar variation 1486482 (VCV001486482.5), dbSNP rs1275238356, ClinGen allele CA342596231.
Genomic context (GRCh38, chr1:154,601,185, plus strand): 5'-CTGATGGGGTTCTTCAGCTGGCACTCTGTCAGTTTCTTGTAGGGTGAACACCGTGGCAAG[C>A]CATGACTGTAGAAGGAGGGCATCTCCATGATGGCTCGAAACTCACCTGGTGCTGCGCGGA-3'
Protein context (NP_001102.3, residues 476-496): IMEMPSFYSH[Gly486Val]LPRCSPYKKL

ClinVar aggregate classification (germline): Uncertain significance (1 of 4 stars; one submission).

Conditions:
Aicardi-Goutieres syndrome 6 (AGS6). Identifiers: Orphanet 51, MedGen C3539013, MONDO:0014007, OMIM 615010.
Symmetrical dyschromatosis of extremities (DSH). Also called: SYMMETRIC DYSCHROMATOSIS OF THE EXTREMITIES; Dyschromatosis symmetrica hereditaria; RETICULATE ACROPIGMENTATION OF DOHI; DYSCHROMATOSIS SYMMETRICA HEREDITARIA 1. Identifiers: Orphanet 41, MedGen C0406775, MONDO:0007483, OMIM 127400.

Allele frequency attached by ClinVar (database versions not stated): gnomAD exomes 0.00001; gnomAD 0.00001; TOPMed below 0.00001.
gnomAD v4.1: 5 of 1,614,098 alleles (0.00031%); highest among the groups gnomAD compares: Admixed American, 0.005%; no homozygotes.

Submission:

Labcorp Genetics (formerly Invitae), Labcorp
Classification: Uncertain significance for Aicardi-Goutieres syndrome 6; Symmetrical dyschromatosis of extremities. Last evaluated: 2025-04-17. Review status: criteria provided, single submitter. Criteria: Invitae Variant Classification Sherloc (09022015). Collection method: clinical testing. Allele origin: germline.
Comment: This sequence change replaces glycine, which is neutral and non-polar, with valine, which is neutral and non-polar, at codon 486 of the ADAR protein (p.Gly486Val). This variant is not present in population databases (gnomAD no frequency). This variant has not been reported in the literature in individuals affected with ADAR-related conditions. ClinVar contains an entry for this variant (Variation ID: 1486482). Invitae Evidence Modeling of protein sequence and biophysical properties (such as structural, functional, and spatial information, amino acid conservation, physicochemical variation, residue mobility, and thermodynamic stability) indicates that this missense variant is not expected to disrupt ADAR protein function with a negative predictive value of 80%. In summary, the available evidence is currently insufficient to determine the role of this variant in disease. Therefore, it has been classified as a Variant of Uncertain Significance.